The following is an entry in ClinVar:

NM_005359.6(SMAD4):c.89G>T (p.Gly30Val)

Gene: SMAD4 (SMAD family member 4; plus strand). Cytogenetic location: 18q21.2.
Variant type: single nucleotide variant.
Coding change: c.89G>T on transcript NM_005359.6 (MANE Select); coding-DNA position 89, G replaced by T.
Protein change: p.Gly30Val; replaces glycine 30 with valine.
Molecular consequence: missense variant. On other transcripts: non-coding transcript variant (2).
Genome position (GRCh38, 1-based): chr18:51,047,135, G>T. VCF-style: chr18-51047135-G-T. GRCh37 (hg19) VCF-style: chr18-48573505-G-T.
Other names: c.89G>T, p.Gly30Val (NM_001407041.1, NM_001407042.1, NM_001407043.1); short protein forms G30V.
Identifiers: ClinVar variation 2755698 (VCV002755698.3), dbSNP rs2144400831, ClinGen allele CA402457576.

ClinVar aggregate classification (germline): Uncertain significance (1 of 4 stars; one submission).

Conditions:
Juvenile polyposis syndrome (JPS). Identifiers: Orphanet 2929, MedGen C0345893, MONDO:0017380, OMIM 174900.

Submission:

Labcorp Genetics (formerly Invitae), Labcorp
Classification: Uncertain significance for Juvenile polyposis syndrome. Last evaluated: 2023-09-07. Review status: criteria provided, single submitter. Criteria: Invitae Variant Classification Sherloc (09022015). Collection method: clinical testing. Allele origin: germline.
Comment: In summary, the available evidence is currently insufficient to determine the role of this variant in disease. Therefore, it has been classified as a Variant of Uncertain Significance. Advanced modeling of protein sequence and biophysical properties (such as structural, functional, and spatial information, amino acid conservation, physicochemical variation, residue mobility, and thermodynamic stability) has been performed at Invitae for this missense variant, however the output from this modeling did not meet the statistical confidence thresholds required to predict the impact of this variant on SMAD4 protein function. This variant has not been reported in the literature in individuals affected with SMAD4-related conditions. This variant is not present in population databases (gnomAD no frequency). This sequence change replaces glycine, which is neutral and non-polar, with valine, which is neutral and non-polar, at codon 30 of the SMAD4 protein (p.Gly30Val).